The following is an entry in ClinVar:

ClinVar aggregate classification (germline): Uncertain significance. Review status: criteria provided, multiple submitters, no conflicts (2 of 4 stars). 2 submissions from 2 submitters: Uncertain significance (2). Last evaluated 2025-08-28.

Conditions:
Inborn genetic diseases. Identifiers: MedGen C0950123, MeSH D030342.

Allele frequency attached by ClinVar (database versions not stated): ExAC 0.00001; gnomAD 0.00001; gnomAD exomes 0.00002; TOPMed 0.00002.
gnomAD v4.1: 25 of 1,613,832 alleles (0.0015%); highest among the groups gnomAD compares: Admixed American, 0.013%; no homozygotes.

Submissions (2):

Ambry Genetics
Classification: Uncertain significance for Inborn genetic diseases. Last evaluated: 2025-08-28. Review status: criteria provided, single submitter. Criteria: Ambry Variant Classification Scheme 2023. Collection method: clinical testing. Allele origin: germline.

Labcorp Genetics (formerly Invitae), Labcorp
Classification: Uncertain significance. Last evaluated: 2022-06-11. Review status: criteria provided, single submitter. Criteria: Invitae Variant Classification Sherloc (09022015). Collection method: clinical testing. Allele origin: germline.
Comment: This sequence change replaces valine, which is neutral and non-polar, with alanine, which is neutral and non-polar, at codon 190 of the CRLF1 protein (p.Val190Ala). In summary, the available evidence is currently insufficient to determine the role of this variant in disease. Therefore, it has been classified as a Variant of Uncertain Significance. Algorithms developed to predict the effect of missense changes on protein structure and function are either unavailable or do not agree on the potential impact of this missense change (SIFT: "Deleterious"; PolyPhen-2: "Benign"; Align-GVGD: "Class C0"). This variant has not been reported in the literature in individuals affected with CRLF1-related conditions. This variant is present in population databases (rs762357416, gnomAD 0.01%).

NM_004750.5(CRLF1):c.569T>C (p.Val190Ala)

Gene: CRLF1 (cytokine receptor like factor 1; minus strand). Cytogenetic location: 19p13.11.
Variant type: single nucleotide variant.
Coding change: c.569T>C on transcript NM_004750.5 (MANE Select); coding-DNA position 569, T replaced by C.
Protein change: p.Val190Ala; replaces valine 190 with alanine.
Molecular consequence: missense variant.
Genome position (GRCh38, 1-based): chr19:18,598,560, A>G on the plus strand (T>C on the coding strand, the complement: CRLF1 is on the minus strand). VCF-style: chr19-18598560-A-G. GRCh37 (hg19) VCF-style: chr19-18709370-A-G.
Other names: c.569T>C (NM_004750.4); short protein forms V190A.
Identifiers: ClinVar variation 2170304 (VCV002170304.5), dbSNP rs762357416, ClinGen allele CA9314193.